The following is an entry in ClinVar:

NM_000444.6(PHEX):c.1116T>A (p.Tyr372Ter)

Gene: PHEX (phosphate regulating endopeptidase X-linked; plus strand). Cytogenetic location: Xp22.11.
Variant type: single nucleotide variant.
Coding change: c.1116T>A on transcript NM_000444.6 (MANE Select); coding-DNA position 1116, T replaced by A.
Protein change: p.Tyr372Ter; replaces tyrosine 372 with a stop codon.
Molecular consequence: nonsense.
Genome position (GRCh38, 1-based): chrX:22,111,503, T>A. VCF-style: chrX-22111503-T-A. GRCh37 (hg19) VCF-style: chrX-22129621-T-A.
Other names: c.1116T>A, p.Tyr372Ter (NM_001282754.2); short protein forms Y372*.
Identifiers: ClinVar variation 843703 (VCV000843703.7), dbSNP rs1930964729, ClinGen allele CA412573155.
Genomic context (GRCh38, chrX:22,111,503, plus strand): 5'-ATGGGCATCTCTCTCTGTTAACAGGACCATTGCCAACTATTTGGTGTGGAGAATGGTTTA[T>A]TCCAGAATTCCAAACCTTAGCAGGCGCTTTCAGTATAGATGGCTGGAATTCTCAAGGGTA-3'

ClinVar aggregate classification (germline): Pathogenic (1 of 4 stars; one submission).

Submission:

Labcorp Genetics (formerly Invitae), Labcorp
Classification: Pathogenic. Last evaluated: 2019-04-15. Review status: criteria provided, single submitter. Criteria: Invitae Variant Classification Sherloc (09022015). Collection method: clinical testing. Allele origin: germline.
Comment: This sequence change creates a premature translational stop signal (p.Tyr372*) in the PHEX gene. It is expected to result in an absent or disrupted protein product. This variant is not present in population databases (ExAC no frequency). This variant has not been reported in the literature in individuals with PHEX-related conditions. Loss-of-function variants in PHEX are known to be pathogenic (PMID: 9097956, 9106524, 19219621). For these reasons, this variant has been classified as Pathogenic.

Literature cited by the submitters: PubMed 9097956; PubMed 9106524; PubMed 19219621.